The following is an entry in ClinVar:

NM_138295.5(PKD1L1):c.8356-10T>G

Gene: PKD1L1 (polycystin 1 like 1, transient receptor potential channel interacting; minus strand). Cytogenetic location: 7p12.3.
Variant type: single nucleotide variant.
Coding change: c.8356-10T>G on transcript NM_138295.5 (MANE Select); 10 bases into the intron before coding-DNA position 8356, T replaced by G.
Molecular consequence: intron variant.
Genome position (GRCh38, 1-based): chr7:47,792,807, A>C on the plus strand (T>G on the coding strand, the complement: PKD1L1 is on the minus strand). VCF-style: chr7-47792807-A-C. GRCh37 (hg19) VCF-style: chr7-47832405-A-C.
Identifiers: ClinVar variation 4993613 (VCV004993613.1).
Genomic context (GRCh38, chr7:47,792,807, plus strand): 5'-CTTCATCAGAAGTTCGTCTAACAGATTTGCAAATTCATCCAAGTAGTAATTCTGAAGGGA[A>C]GAAAATTAGATTAGTAAATGCATTCAAGAATCTCATTATCCCCCTTTCCTCATTATGTGA-3'

ClinVar aggregate classification (germline): Likely benign (1 of 4 stars; one submission).

Conditions:
PKD1L1-related disorder. Also called: PKD1L1-related condition.

Submission:

PreventionGenetics, part of Exact Sciences
Classification: Likely benign for PKD1L1-related condition. Last evaluated: 2026-05-28. Review status: criteria provided, single submitter. Criteria: ACMG Guidelines, 2015. Collection method: clinical testing. Allele origin: germline.
Comment: This variant is classified as likely benign based on ACMG/AMP sequence variant interpretation guidelines (Richards et al. 2015 PMID: 25741868, with internal and published modifications).